The following is an entry in ClinVar:

ClinVar aggregate classification (germline): Uncertain significance (1 of 4 stars; one submission).

Submission:

Women's Health and Genetics/Laboratory Corporation of America, LabCorp
Classification: Uncertain significance. Last evaluated: 2023-11-03. Review status: criteria provided, single submitter. Criteria: LabCorp Variant Classification Summary - May 2015. Collection method: clinical testing. Allele origin: germline.
Comment: Variant summary: NEXMIF c.1060G>A (p.Ala354Thr) results in a non-conservative amino acid change located in the Domain of unknown function DUF4683 (IPR032757) of the encoded protein sequence. Four of five in-silico tools predict a benign effect of the variant on protein function. The variant was absent in 182680 control chromosomes. The available data on variant occurrences in the general population are insufficient to allow any conclusion about variant significance. To our knowledge, no occurrence of c.1060G>A in individuals affected with Intellectual Developmental Disorder, X-Linked 98 and no experimental evidence demonstrating its impact on protein function have been reported. No submitters have cited clinical-significance assessments for this variant to ClinVar after 2014. Based on the evidence outlined above, the variant was classified as uncertain significance.

NM_001008537.3(NEXMIF):c.1060G>A (p.Ala354Thr)

Gene: NEXMIF (neurite extension and migration factor; minus strand). Cytogenetic location: Xq13.3.
Variant type: single nucleotide variant.
Coding change: c.1060G>A on transcript NM_001008537.3 (MANE Select); coding-DNA position 1060, G replaced by A.
Protein change: p.Ala354Thr; replaces alanine 354 with threonine.
Molecular consequence: missense variant.
Genome position (GRCh38, 1-based): chrX:74,743,497, C>T on the plus strand (G>A on the coding strand, the complement: NEXMIF is on the minus strand). VCF-style: chrX-74743497-C-T. GRCh37 (hg19) VCF-style: chrX-73963332-C-T.
Other names: short protein forms A354T.
Identifiers: ClinVar variation 2682261 (VCV002682261.1), dbSNP rs1419073383, ClinGen allele CA413671638.